The following is an entry in ClinVar:

NM_000540.3(RYR1):c.9901C>A (p.Pro3301Thr)

Gene: RYR1 (ryanodine receptor 1; plus strand). Cytogenetic location: 19q13.2.
Variant type: single nucleotide variant.
Coding change: c.9901C>A on transcript NM_000540.3 (MANE Select); coding-DNA position 9901, C replaced by A.
Protein change: p.Pro3301Thr; replaces proline 3301 with threonine.
Molecular consequence: missense variant.
Genome position (GRCh38, 1-based): chr19:38,517,574, C>A. VCF-style: chr19-38517574-C-A. GRCh37 (hg19) VCF-style: chr19-39008214-C-A.
Other names: c.9901C>A, p.Pro3301Thr (NM_001042723.2); short protein forms P3301T.
Identifiers: ClinVar variation 2043390 (VCV002043390.28), dbSNP rs778961580, ClinGen allele CA074322.

ClinVar aggregate classification (germline): Uncertain significance. Review status: criteria provided, multiple submitters, no conflicts (2 of 4 stars). 3 submissions from 3 submitters: Uncertain significance (3). Last evaluated 2025-08-18.

Conditions:
RYR1-related disorder. Also called: RYR1-related condition; RYR1-related disorders. Identifiers: MedGen CN239331.
Malignant hyperthermia, susceptibility to, 1 (MHS1). Also called: Malignant hyperthermia suceptibility 1; Anesthesia related hyperthermia; Malignant hyperpyrexia; Fulminating hyperpyrexia; Pharmacogenic myopathy; RYR1-Related Malignant Hyperthermia Susceptibility. Identifiers: Orphanet 423, MedGen C2930980, MONDO:0007783, OMIM 145600.

Allele frequency attached by ClinVar (database versions not stated): gnomAD exomes below 0.00001; TOPMed 0.00002; ExAC 0.00003.
gnomAD v4.1: 11 of 1,613,960 alleles (0.00068%); highest among the groups gnomAD compares: Admixed American, 0.0067%; no homozygotes.

Submissions (3):

Labcorp Genetics (formerly Invitae), Labcorp
Classification: Uncertain significance for RYR1-related disorder. Last evaluated: 2025-08-18. Review status: criteria provided, single submitter. Criteria: Invitae Variant Classification Sherloc (09022015). Collection method: clinical testing. Allele origin: germline.
Comment: This sequence change replaces proline, which is neutral and non-polar, with threonine, which is neutral and polar, at codon 3301 of the RYR1 protein (p.Pro3301Thr). This variant is present in population databases (rs778961580, gnomAD 0.01%). This variant has not been reported in the literature in individuals affected with RYR1-related conditions. ClinVar contains an entry for this variant (Variation ID: 2043390). Invitae Evidence Modeling of protein sequence and biophysical properties (such as structural, functional, and spatial information, amino acid conservation, physicochemical variation, residue mobility, and thermodynamic stability) indicates that this missense variant is not expected to disrupt RYR1 protein function with a negative predictive value of 80%. In summary, the available evidence is currently insufficient to determine the role of this variant in disease. Therefore, it has been classified as a Variant of Uncertain Significance.

All of Us Research Program, National Institutes of Health
Classification: Uncertain significance for Malignant hyperthermia, susceptibility to, 1. Last evaluated: 2023-11-30. Review status: criteria provided, single submitter. Criteria: ACMG Guidelines, 2015. Collection method: clinical testing. Allele origin: germline. Inheritance: Autosomal dominant inheritance. Observed: 1 variant allele, 1 heterozygote.
Comment: This study involves interpretation of variants in research participants for the purpose of population health screening. Participant phenotype was not available at the time of variant classification. Additional details can be found in publication PMID: 35346344, PMCID: PMC8962531

CeGaT Center for Human Genetics Tuebingen
Classification: Uncertain significance. Last evaluated: 2023-08-01. Review status: criteria provided, single submitter. Criteria: CeGaT Center For Human Genetics Tuebingen Variant Classification Criteria Version 2. Collection method: clinical testing. Allele origin: germline. Affected: yes. Observed: 1 variant allele.